The following is an entry in ClinVar:

NM_001048174.2(MUTYH):c.836G>T (p.Arg279Leu)

Gene: MUTYH (mutY DNA glycosylase; minus strand). Cytogenetic location: 1p34.1.
Variant type: single nucleotide variant.
Coding change: c.836G>T on transcript NM_001048174.2 (MANE Select); coding-DNA position 836, G replaced by T.
Protein change: p.Arg279Leu; replaces arginine 279 with leucine.
Molecular consequence: missense variant. On other transcripts: non-coding transcript variant (7).
Genome position (GRCh38, 1-based): chr1:45,332,179, C>A on the plus strand (G>T on the coding strand, the complement: MUTYH is on the minus strand). VCF-style: chr1-45332179-C-A. GRCh37 (hg19) VCF-style: chr1-45797851-C-A.
Other names: c.836G>T, p.Arg279Leu (NM_001407088.1, NM_001407089.1, NM_001048171.2 and 6 more transcripts); c.560G>T, p.Arg187Leu (NM_001407091.1, NM_001293192.2, NM_001293196.2); c.911G>T, p.Arg304Leu (NM_012222.3); c.839G>T, p.Arg280Leu (NM_001048172.2, NM_001407071.1, NM_001407078.1 and 1 more transcripts); c.752G>T, p.Arg251Leu (NM_001407075.1); c.869G>T, p.Arg290Leu (NM_001407077.1, NM_001293191.2, NM_001407069.1); c.797G>T, p.Arg266Leu (NM_001407079.1); c.794G>T, p.Arg265Leu (NM_001407080.1); and 5 more; short protein forms R187L, R265L, R266L, R304L, R164L, R251L, R280L, R286L.
Identifiers: ClinVar variation 2453349 (VCV002453349.4), dbSNP rs140156029, ClinGen allele CA340134317.

ClinVar aggregate classification (germline): Conflicting classifications of pathogenicity. Review status: criteria provided, conflicting classifications (1 of 4 stars). 2 submissions from 2 submitters: Uncertain significance (1); Likely benign (1). Last evaluated 2025-09-09.

Conditions:
Familial adenomatous polyposis 2. Also called: ADENOMAS, MULTIPLE COLORECTAL, AUTOSOMAL RECESSIVE; MUTYH-related attenuated familial adenomatous polyposis; MUTYH-associated polyposis; Adenomas, multiple colorectal; COLORECTAL ADENOMATOUS POLYPOSIS, AUTOSOMAL RECESSIVE; MYH-associated polyposis. Identifiers: Orphanet 220460, Orphanet 247798, MedGen C3272841, MONDO:0012041, OMIM 608456.
Hereditary cancer-predisposing syndrome. Also called: Hereditary neoplastic syndrome; Hereditary Cancer Syndrome; Tumor predisposition; Neoplastic Syndromes, Hereditary. Identifiers: Orphanet 140162, MedGen C0027672, MeSH D009386, MONDO:0015356.

Submissions (2):

Ambry Genetics
Classification: Likely benign for Hereditary cancer-predisposing syndrome. Last evaluated: 2025-09-09. Review status: criteria provided, single submitter. Criteria: Ambry Variant Classification Scheme 2023. Collection method: clinical testing. Allele origin: germline.

All of Us Research Program, National Institutes of Health
Classification: Uncertain significance for Familial adenomatous polyposis 2. Last evaluated: 2024-09-11. Review status: criteria provided, single submitter. Criteria: ACMG Guidelines, 2015. Collection method: clinical testing. Allele origin: germline. Inheritance: Autosomal recessive inheritance. Observed: 1 variant allele, 1 heterozygote.
Comment: This study involves interpretation of variants in research participants for the purpose of population health screening. Participant phenotype was not available at the time of variant classification. Additional details can be found in publication PMID: 35346344, PMCID: PMC8962531